The following is an entry in ClinVar:

ClinVar aggregate classification (germline): Conflicting classifications of pathogenicity. Review status: criteria provided, conflicting classifications (1 of 4 stars). 9 submissions from 6 submitters: Uncertain significance (4); Benign (1); Likely benign (4). Last evaluated 2026-02-04.

Conditions:
Long QT syndrome (LQTS). Identifiers: MedGen C0023976, MeSH D008133, MONDO:0002442. Disease mechanism: loss of function. Inheritance: Various modes of inheritance.
Long QT syndrome 1 (LQT1). Identifiers: Orphanet 101016, Orphanet 768, MedGen C4551647, MONDO:0100316, OMIM 192500, MONDO:0008646.
Jervell and Lange-Nielsen syndrome 1 (JLNS1). Also called: SURDO-CARDIAC SYNDROME; PROLONGED QT INTERVAL IN EKG AND SUDDEN DEATH; CARDIOAUDITORY SYNDROME OF JERVELL AND LANGE-NIELSEN; DEAFNESS, CONGENITAL, AND FUNCTIONAL HEART DISEASE. Identifiers: Orphanet 768, Orphanet 90647, MedGen C4551509, MONDO:0024540, OMIM 220400.
Atrial fibrillation, familial, 3 (ATFB3). Identifiers: MedGen C1837014, MONDO:0011857, OMIM 607554.
Short QT syndrome type 2. Identifiers: Orphanet 51083, MedGen C1865019, MONDO:0012313, OMIM 609621.

Allele frequency attached by ClinVar (database versions not stated): gnomAD exomes 0.00022 and 0.00043; gnomAD 0.00024 and 0.00026; TOPMed 0.00030; ExAC 0.00031; ESP Exome Variant Server 0.00040.
gnomAD v4.1: 647 of 1,588,494 alleles (0.041%); highest among the groups gnomAD compares: Non-Finnish European, 0.052%; 1 homozygote.

Submissions (9):

Labcorp Genetics (formerly Invitae), Labcorp
Classification: Likely benign for Long QT syndrome. Last evaluated: 2026-02-04. Review status: criteria provided, single submitter. Criteria: Invitae Variant Classification Sherloc (09022015). Collection method: clinical testing. Allele origin: germline.

Women's Health and Genetics/Laboratory Corporation of America, LabCorp
Classification: Likely benign. Last evaluated: 2024-10-15. Review status: criteria provided, single submitter. Criteria: LabCorp Variant Classification Summary - May 2015. Collection method: clinical testing. Allele origin: germline.

Blueprint Genetics
Classification: Likely benign. Last evaluated: 2024-03-07. Review status: criteria provided, single submitter. Criteria: ACMG Guidelines, 2015. Collection method: clinical testing. Allele origin: germline.

Illumina Laboratory Services, Illumina
Classification: Uncertain significance for Long QT syndrome 1. Last evaluated: 2018-01-13. Review status: criteria provided, single submitter. Criteria: ICSL Variant Classification Criteria 13 December 2019. Collection method: clinical testing. Allele origin: germline.

Illumina Laboratory Services, Illumina
Classification: Likely benign for Short QT syndrome type 2. Last evaluated: 2018-01-13. Review status: criteria provided, single submitter. Criteria: ICSL Variant Classification Criteria 13 December 2019. Collection method: clinical testing. Allele origin: germline.
Comment: This variant was observed in the ICSL laboratory as part of a predisposition screen in an ostensibly healthy population. It had not been previously curated by ICSL or reported in the Human Gene Mutation Database (HGMD: prior to June 1st, 2018), and was therefore a candidate for classification through an automated scoring system. Utilizing variant allele frequency, disease prevalence and penetrance estimates, and inheritance mode, an automated score was calculated to assess if this variant is too frequent to cause the disease. Based on the score and internal cut-off values, a variant classified as likely benign is not then subjected to further curation. The score for this variant resulted in a classification of likely benign for this disease.

Illumina Laboratory Services, Illumina
Classification: Uncertain significance for Atrial fibrillation, familial, 3. Last evaluated: 2018-01-13. Review status: criteria provided, single submitter. Criteria: ICSL Variant Classification Criteria 13 December 2019. Collection method: clinical testing. Allele origin: germline.

Illumina Laboratory Services, Illumina
Classification: Uncertain significance for Jervell and Lange-Nielsen syndrome 1. Last evaluated: 2018-01-13. Review status: criteria provided, single submitter. Criteria: ICSL Variant Classification Criteria 13 December 2019. Collection method: clinical testing. Allele origin: germline.

Eurofins Ntd Llc (ga)
Classification: Uncertain significance. Last evaluated: 2016-12-22. Review status: criteria provided, single submitter. Criteria: EGL Classification Definitions 2015. Collection method: clinical testing. Allele origin: germline. Observed: 1 variant allele, 1 heterozygote.

GeneDx
Classification: Benign. Last evaluated: 2015-03-30. Review status: criteria provided, single submitter. Criteria: GeneDx Variant Classification (06012015). Collection method: clinical testing. Allele origin: germline. Affected: yes.
Comment: This variant is considered likely benign or benign based on one or more of the following criteria: it is a conservative change, it occurs at a poorly conserved position in the protein, it is predicted to be benign by multiple in silico algorithms, and/or has population frequency not consistent with disease.

NM_000218.3(KCNQ1):c.386+14C>T

Gene: KCNQ1 (potassium voltage-gated channel subfamily Q member 1; plus strand). Cytogenetic location: 11p15.5.
Variant type: single nucleotide variant.
Coding change: c.386+14C>T on transcript NM_000218.3 (MANE Select); 14 bases into the intron after coding-DNA position 386, C replaced by T.
Molecular consequence: intron variant.
Genome position (GRCh38, 1-based): chr11:2,445,498, C>T. VCF-style: chr11-2445498-C-T. GRCh37 (hg19) VCF-style: chr11-2466728-C-T.
Identifiers: ClinVar variation 378011 (VCV000378011.18), dbSNP rs370023636, ClinGen allele CA035312.